The following is an entry in ClinVar:

ClinVar aggregate classification (germline): Uncertain significance. Review status: criteria provided, multiple submitters, no conflicts (2 of 4 stars). 2 submissions from 2 submitters: Uncertain significance (2). Last evaluated 2025-10-27.

Conditions:
Hereditary cancer-predisposing syndrome. Also called: Tumor predisposition; Hereditary neoplastic syndrome; Neoplastic Syndromes, Hereditary; Hereditary Cancer Syndrome. Identifiers: Orphanet 140162, MedGen C0027672, MeSH D009386, MONDO:0015356.
Neuroblastoma, susceptibility to, 3. Also called: ALK-Related Neuroblastic Tumor Susceptibility. Identifiers: Orphanet 635, MedGen C2751681, MONDO:0013083, OMIM 613014.

gnomAD v4.1: 2 of 1,613,896 alleles (0.00012%); highest among the groups gnomAD compares: African/African-American, 0.0013%; no homozygotes.

Submissions (2):

Ambry Genetics
Classification: Uncertain significance for Hereditary cancer-predisposing syndrome. Last evaluated: 2025-10-27. Review status: criteria provided, single submitter. Criteria: Ambry Variant Classification Scheme 2023. Collection method: clinical testing. Allele origin: germline.
Comment: The p.H755Q variant (also known as c.2265C>A), located in coding exon 13 of the ALK gene, results from a C to A substitution at nucleotide position 2265. The histidine at codon 755 is replaced by glutamine, an amino acid with highly similar properties. This amino acid position is conserved. In addition, this alteration is predicted to be tolerated by in silico analysis. Based on the available evidence, the clinical significance of this variant remains unclear.

Labcorp Genetics (formerly Invitae), Labcorp
Classification: Uncertain significance for Neuroblastoma, susceptibility to, 3. Last evaluated: 2025-07-16. Review status: criteria provided, single submitter. Criteria: Invitae Variant Classification Sherloc (09022015). Collection method: clinical testing. Allele origin: germline.
Comment: This sequence change replaces histidine, which is basic and polar, with glutamine, which is neutral and polar, at codon 755 of the ALK protein (p.His755Gln). This variant is not present in population databases (gnomAD no frequency). This variant has not been reported in the literature in individuals affected with ALK-related conditions. ClinVar contains an entry for this variant (Variation ID: 2037781). An algorithm developed to predict the effect of missense changes on protein structure and function (PolyPhen-2) suggests that this variant is likely to be disruptive. In summary, the available evidence is currently insufficient to determine the role of this variant in disease. Therefore, it has been classified as a Variant of Uncertain Significance.

NM_004304.5(ALK):c.2265C>A (p.His755Gln)

Gene: ALK (ALK receptor tyrosine kinase; minus strand). Cytogenetic location: 2p23.2.
Variant type: single nucleotide variant.
Coding change: c.2265C>A on transcript NM_004304.5 (MANE Select); coding-DNA position 2265, C replaced by A.
Protein change: p.His755Gln; replaces histidine 755 with glutamine.
Molecular consequence: missense variant.
Genome position (GRCh38, 1-based): chr2:29,239,770, G>T on the plus strand (C>A on the coding strand, the complement: ALK is on the minus strand). VCF-style: chr2-29239770-G-T. GRCh37 (hg19) VCF-style: chr2-29462636-G-T.
Other names: c.2265C>A (NM_004304.4); short protein forms H755Q.
Identifiers: ClinVar variation 2037781 (VCV002037781.5), dbSNP rs770603023, ClinGen allele CA346474571.